The following is an entry in ClinVar:

NM_001040108.2(MLH3):c.883C>T (p.Arg295Trp)

Gene: MLH3 (mutL homolog 3; minus strand). Cytogenetic location: 14q24.3.
Variant type: single nucleotide variant.
Coding change: c.883C>T on transcript NM_001040108.2 (MANE Select); coding-DNA position 883, C replaced by T.
Protein change: p.Arg295Trp; replaces arginine 295 with tryptophan.
Molecular consequence: missense variant.
Genome position (GRCh38, 1-based): chr14:75,048,773, G>A on the plus strand (C>T on the coding strand, the complement: MLH3 is on the minus strand). VCF-style: chr14-75048773-G-A. GRCh37 (hg19) VCF-style: chr14-75515476-G-A.
Other names: c.883C>T, p.Arg295Trp (NM_014381.3); short protein forms R295W.
Identifiers: ClinVar variation 845217 (VCV000845217.7), dbSNP rs761567123, ClinGen allele CA7275954.
Genomic context (GRCh38, chr14:75,048,773, plus strand): 5'-AGAATTGGCACTGCACATTAATTACATATATGCCATAGAGTTCTGGGGTAGACCGGTGCC[G>A]AAGACTTGAATTCATTTGCCTACTGGTGGGACCATTCTTTGGCTTGCATATAATACTTTC-3'
Protein context (NP_001035197.1, residues 285-305): PTSRQMNSSL[Arg295Trp]HRSTPELYGI

ClinVar aggregate classification (germline): Uncertain significance (1 of 4 stars; one submission).

Conditions:
Colorectal cancer, hereditary nonpolyposis, type 7. Identifiers: Orphanet 144, MedGen C1858380, MONDO:0013725, OMIM 614385.

Allele frequency attached by ClinVar (database versions not stated): gnomAD exomes below 0.00001; ExAC 0.00001; gnomAD 0.00001; TOPMed 0.00001.

Submission:

Labcorp Genetics (formerly Invitae), Labcorp
Classification: Uncertain significance for Colorectal cancer, hereditary nonpolyposis, type 7. Last evaluated: 2022-12-04. Review status: criteria provided, single submitter. Criteria: Invitae Variant Classification Sherloc (09022015). Collection method: clinical testing. Allele origin: germline.
Comment: In summary, the available evidence is currently insufficient to determine the role of this variant in disease. Therefore, it has been classified as a Variant of Uncertain Significance. ClinVar contains an entry for this variant (Variation ID: 845217). This sequence change replaces arginine, which is basic and polar, with tryptophan, which is neutral and slightly polar, at codon 295 of the MLH3 protein (p.Arg295Trp). This variant is present in population databases (rs761567123, gnomAD 0.003%). This variant has not been reported in the literature in individuals affected with MLH3-related conditions. Algorithms developed to predict the effect of missense changes on protein structure and function are either unavailable or do not agree on the potential impact of this missense change (SIFT: "Deleterious"; PolyPhen-2: "Probably Damaging"; Align-GVGD: "Class C0").